The following is an entry in ClinVar:

NM_004247.4(EFTUD2):c.994+5G>T

Gene: EFTUD2 (elongation factor Tu GTP binding domain containing 2; minus strand). Cytogenetic location: 17q21.31.
Variant type: single nucleotide variant.
Coding change: c.994+5G>T on transcript NM_004247.4 (MANE Select); 5 bases into the intron after coding-DNA position 994, G replaced by T.
Molecular consequence: intron variant.
Genome position (GRCh38, 1-based): chr17:44,872,441, C>A on the plus strand (G>T on the coding strand, the complement: EFTUD2 is on the minus strand). VCF-style: chr17-44872441-C-A. GRCh37 (hg19) VCF-style: chr17-42949809-C-A.
Other names: c.889+5G>T (NM_001142605.2); c.964+5G>T (NM_001258354.2); c.994+5G>T (NM_001258353.2).
Identifiers: ClinVar variation 2633156 (VCV002633156.1), dbSNP rs2508796588, ClinGen allele CA2695200264.

ClinVar aggregate classification (germline): Uncertain significance (1 of 4 stars; one submission).

Conditions:
EFTUD2-related disorder. Also called: EFTUD2-related condition.

Submission:

PreventionGenetics, part of Exact Sciences
Classification: Uncertain significance for EFTUD2-related condition. Last evaluated: 2023-05-01. Review status: criteria provided, single submitter. Criteria: ACMG Guidelines, 2015. Collection method: clinical testing. Allele origin: germline.
Comment: The EFTUD2 c.994+5G>T variant is predicted to interfere with splicing. To our knowledge, this variant has not been reported in the literature or in a large population database, indicating this variant is rare. At this time, the clinical significance of this variant is uncertain due to the absence of conclusive functional and genetic evidence.